The following is an entry in ClinVar:

NM_003737.4(DCHS1):c.8245G>A (p.Gly2749Arg)

Gene: DCHS1 (dachsous cadherin-related 1; minus strand). Cytogenetic location: 11p15.4.
Variant type: single nucleotide variant.
Coding change: c.8245G>A on transcript NM_003737.4 (MANE Select); coding-DNA position 8245, G replaced by A.
Protein change: p.Gly2749Arg; replaces glycine 2749 with arginine.
Molecular consequence: missense variant.
Genome position (GRCh38, 1-based): chr11:6,623,431, C>T on the plus strand (G>A on the coding strand, the complement: DCHS1 is on the minus strand). VCF-style: chr11-6623431-C-T. GRCh37 (hg19) VCF-style: chr11-6644662-C-T.
Other names: short protein forms G2749R.
Identifiers: ClinVar variation 1955473 (VCV001955473.5), dbSNP rs1160423593, ClinGen allele CA379481415.

ClinVar aggregate classification (germline): Uncertain significance (1 of 4 stars; one submission).

Allele frequency attached by ClinVar (database versions not stated): gnomAD exomes below 0.00001; TOPMed below 0.00001; gnomAD 0.00001.
gnomAD v4.1: 2 of 1,585,486 alleles (0.00013%); highest among the groups gnomAD compares: Admixed American, 0.0018%; no homozygotes.

Submission:

Labcorp Genetics (formerly Invitae), Labcorp
Classification: Uncertain significance. Last evaluated: 2022-06-09. Review status: criteria provided, single submitter. Criteria: Invitae Variant Classification Sherloc (09022015). Collection method: clinical testing. Allele origin: germline.
Comment: This sequence change replaces glycine, which is neutral and non-polar, with arginine, which is basic and polar, at codon 2749 of the DCHS1 protein (p.Gly2749Arg). This variant is not present in population databases (gnomAD no frequency). This variant has not been reported in the literature in individuals affected with DCHS1-related conditions. Advanced modeling of protein sequence and biophysical properties (such as structural, functional, and spatial information, amino acid conservation, physicochemical variation, residue mobility, and thermodynamic stability) performed at Invitae indicates that this missense variant is not expected to disrupt DCHS1 protein function. In summary, the available evidence is currently insufficient to determine the role of this variant in disease. Therefore, it has been classified as a Variant of Uncertain Significance.